The following is an entry in ClinVar:

NM_000057.4(BLM):c.2579A>G (p.His860Arg)

Gene: BLM (BLM RecQ like helicase; plus strand). Cytogenetic location: 15q26.1.
Variant type: single nucleotide variant.
Coding change: c.2579A>G on transcript NM_000057.4 (MANE Select); coding-DNA position 2579, A replaced by G.
Protein change: p.His860Arg; replaces histidine 860 with arginine.
Molecular consequence: missense variant.
Genome position (GRCh38, 1-based): chr15:90,782,845, A>G. VCF-style: chr15-90782845-A-G. GRCh37 (hg19) VCF-style: chr15-91326075-A-G.
Other names: c.2579A>G, p.His860Arg (NM_001287246.2, NM_001287247.2); c.1454A>G, p.His485Arg (NM_001287248.2); short protein forms H485R, H860R.
Identifiers: ClinVar variation 2799924 (VCV002799924.4), dbSNP rs1896650997, ClinGen allele CA393845637.

ClinVar aggregate classification (germline): Uncertain significance. Review status: criteria provided, multiple submitters, no conflicts (2 of 4 stars). 2 submissions from 2 submitters: Uncertain significance (2). Last evaluated 2025-04-05.

Conditions:
Bloom syndrome (BLM). Also called: Bloom-Torre-Machacek syndrome. Identifiers: Orphanet 125, MedGen C0005859, MONDO:0008876, OMIM 210900.
Hereditary cancer-predisposing syndrome. Also called: Hereditary neoplastic syndrome; Neoplastic Syndromes, Hereditary; Hereditary Cancer Syndrome; Tumor predisposition. Identifiers: Orphanet 140162, MedGen C0027672, MeSH D009386, MONDO:0015356.

Allele frequency attached by ClinVar (database versions not stated): gnomAD exomes below 0.00001; gnomAD 0.00001; TOPMed 0.00001.
gnomAD v4.1: 4 of 1,613,234 alleles (0.00025%); highest among the groups gnomAD compares: South Asian, 0.0011%; no homozygotes.

Submissions (2):

Ambry Genetics
Classification: Uncertain significance for Hereditary cancer-predisposing syndrome. Last evaluated: 2025-04-05. Review status: criteria provided, single submitter. Criteria: Ambry Variant Classification Scheme 2023. Collection method: clinical testing. Allele origin: germline.
Comment: The p.H860R variant (also known as c.2579A>G), located in coding exon 12 of the BLM gene, results from an A to G substitution at nucleotide position 2579. The histidine at codon 860 is replaced by arginine, an amino acid with highly similar properties. This amino acid position is conserved. In addition, this alteration is predicted to be tolerated by in silico analysis. Based on the available evidence, the clinical significance of this variant remains unclear.

Labcorp Genetics (formerly Invitae), Labcorp
Classification: Uncertain significance for Bloom syndrome. Last evaluated: 2023-07-30. Review status: criteria provided, single submitter. Criteria: Invitae Variant Classification Sherloc (09022015). Collection method: clinical testing. Allele origin: germline.
Comment: In summary, the available evidence is currently insufficient to determine the role of this variant in disease. Therefore, it has been classified as a Variant of Uncertain Significance. Advanced modeling of protein sequence and biophysical properties (such as structural, functional, and spatial information, amino acid conservation, physicochemical variation, residue mobility, and thermodynamic stability) performed at Invitae indicates that this missense variant is not expected to disrupt BLM protein function. This sequence change replaces histidine, which is basic and polar, with arginine, which is basic and polar, at codon 860 of the BLM protein (p.His860Arg). This variant is not present in population databases (gnomAD no frequency). This variant has not been reported in the literature in individuals affected with BLM-related conditions.